The following is an entry in ClinVar:

ClinVar aggregate classification (germline): Conflicting classifications of pathogenicity. Review status: criteria provided, conflicting classifications (1 of 4 stars). 2 submissions from 2 submitters: Uncertain significance (1); Benign (1). Last evaluated 2022-05-05.

Conditions:
Hereditary breast ovarian cancer syndrome. Also called: Hereditary breast and ovarian cancer; Hereditary breast and ovarian cancer syndrome (HBOC); Breast and ovarian cancer; Hereditary breast and/or ovarian cancer syndrome; BRCA1- and BRCA2-Associated Hereditary Breast and Ovarian Cancer; Hereditary breast and ovarian cancer syndrome. Identifiers: Orphanet 145, MedGen C0677776, MeSH D061325, MONDO:0003582. Disease mechanism: loss of function.
Hereditary cancer-predisposing syndrome. Also called: Neoplastic Syndromes, Hereditary; Tumor predisposition; Hereditary Cancer Syndrome; Hereditary neoplastic syndrome. Identifiers: Orphanet 140162, MedGen C0027672, MeSH D009386, MONDO:0015356.

Submissions (3):

Ambry Genetics
Classification: Benign for Hereditary cancer-predisposing syndrome. Last evaluated: 2022-05-05. Review status: criteria provided, single submitter. Criteria: Ambry Variant Classification Scheme 2023. Collection method: clinical testing. Allele origin: germline.

Labcorp Genetics (formerly Invitae), Labcorp
Classification: Uncertain significance for Hereditary breast ovarian cancer syndrome. Last evaluated: 2020-04-07. Review status: criteria provided, single submitter. Criteria: Invitae Variant Classification Sherloc (09022015). Collection method: clinical testing. Allele origin: germline.
Comment: This sequence change replaces glutamic acid with lysine at codon 1638 of the BRCA1 protein (p.Glu1638Lys). The glutamic acid residue is moderately conserved and there is a small physicochemical difference between glutamic acid and lysine. This variant is not present in population databases (ExAC no frequency). In summary, the available evidence is currently insufficient to determine the role of this variant in disease. Therefore, it has been classified as a Variant of Uncertain Significance. This variant has been reported not to substantially affect BRCA1 protein function (PMID: 30209399). This variant has not been reported in the literature in individuals with BRCA1-related conditions.

Brotman Baty Institute, University of Washington
No classification provided (evidence only). Condition: Breast-ovarian cancer, familial 1. Review status: no classification provided. Collection method: in vitro. Allele origin: not applicable. Functional consequence: functionally_normal. Not counted in ClinVar's aggregate classification.
ClinVar note: "not provided" was previously submitted as the classification for the variant. However, the classification appeared to be based only on an observation of functional data so it was converted to no classification on 2025-07-30.

Literature cited by the submitters: PubMed 30209399 (cited by Ambry Genetics and Labcorp Genetics (formerly Invitae), Labcorp).

NM_007294.4(BRCA1):c.4912G>A (p.Glu1638Lys)

Gene: BRCA1 (BRCA1 DNA repair associated; minus strand). Cytogenetic location: 17q21.31.
Variant type: single nucleotide variant.
Coding change: c.4912G>A on transcript NM_007294.4 (MANE Select); coding-DNA position 4912, G replaced by A.
Protein change: p.Glu1638Lys; replaces glutamic acid 1638 with lysine.
Molecular consequence: missense variant. On other transcripts: non-coding transcript variant (1).
Genome position (GRCh38, 1-based): chr17:43,071,002, C>T on the plus strand (G>A on the coding strand, the complement: BRCA1 is on the minus strand). VCF-style: chr17-43071002-C-T. GRCh37 (hg19) VCF-style: chr17-41223019-C-T.
Other names: c.4699G>A, p.Glu1567Lys (NM_001407571.1, NM_001407900.1, NM_001407902.1 and 12 more transcripts); c.4978G>A, p.Glu1660Lys (NM_001407581.1, NM_001407582.1); c.4975G>A, p.Glu1659Lys (NM_001407583.1, NM_001407585.1, NM_001407587.1 and 1 more transcripts); c.4909G>A, p.Glu1637Lys (NM_001407610.1, NM_001407611.1, NM_001407612.1 and 17 more transcripts); c.4906G>A, p.Glu1636Lys (NM_001407629.1, NM_001407630.1, NM_001407631.1 and 14 more transcripts); c.4852G>A, p.Glu1618Lys (NM_001407649.1); c.4912G>A, p.Glu1638Lys (NM_001407652.1, NM_001407684.1, NM_001407854.1 and 8 more transcripts); c.4834G>A, p.Glu1612Lys (NM_001407653.1, NM_001407654.1, NM_001407655.1); and 70 more; short protein forms E1638K, E1659K, E534K, E1591K, E1469K, E1525K, E1526K, E1569K.
Identifiers: ClinVar variation 868398 (VCV000868398.14), dbSNP rs2052380758, ClinGen allele CA10591701.